The following is an entry in ClinVar:

ClinVar aggregate classification (germline): Uncertain significance (1 of 4 stars; one submission).

Allele frequency attached by ClinVar (database versions not stated): gnomAD 0.00002; gnomAD exomes 0.00003; TOPMed 0.00004; ExAC 0.00013.
gnomAD v4.1: 39 of 1,552,204 alleles (0.0025%); highest among the groups gnomAD compares: South Asian, 0.0095%; no homozygotes.

Submission:

Labcorp Genetics (formerly Invitae), Labcorp
Classification: Uncertain significance. Last evaluated: 2022-09-21. Review status: criteria provided, single submitter. Criteria: Invitae Variant Classification Sherloc (09022015). Collection method: clinical testing. Allele origin: germline.
Comment: In summary, the available evidence is currently insufficient to determine the role of this variant in disease. Therefore, it has been classified as a Variant of Uncertain Significance. Algorithms developed to predict the effect of missense changes on protein structure and function are either unavailable or do not agree on the potential impact of this missense change (SIFT: "Deleterious"; PolyPhen-2: "Probably Damaging"; Align-GVGD: "Class C0"). This missense change has been observed in individual(s) with myeloproliferative neoplasm (PMID: 23781511). This variant is present in population databases (rs764470309, gnomAD 0.01%). This sequence change replaces arginine, which is basic and polar, with tryptophan, which is neutral and slightly polar, at codon 1572 of the TET2 protein (p.Arg1572Trp).

Literature cited by the submitters: PubMed 23781511.

NM_001127208.3(TET2):c.4714C>T (p.Arg1572Trp)

Genes: TET2 (tet methylcytosine dioxygenase 2; plus strand), TET2-AS1 (TET2 antisense RNA 1; minus strand). Cytogenetic location: 4q24.
Variant type: single nucleotide variant.
Coding change: c.4714C>T on transcript NM_001127208.3 (MANE Select); coding-DNA position 4714, C replaced by T.
Protein change: p.Arg1572Trp; replaces arginine 1572 with tryptophan.
Molecular consequence: missense variant.
Genome position (GRCh38, 1-based): chr4:105,275,224, C>T. VCF-style: chr4-105275224-C-T. GRCh37 (hg19) VCF-style: chr4-106196381-C-T.
Other names: short protein forms R1572W.
Identifiers: ClinVar variation 2186642 (VCV002186642.4), dbSNP rs764470309, ClinGen allele CA3032223.